The following is an entry in ClinVar:

NM_182914.3(SYNE2):c.7536G>C (p.Lys2512Asn)

Gene: SYNE2 (spectrin repeat containing nuclear envelope protein 2; plus strand). Cytogenetic location: 14q23.2.
Variant type: single nucleotide variant.
Coding change: c.7536G>C on transcript NM_182914.3 (MANE Select); coding-DNA position 7536, G replaced by C.
Protein change: p.Lys2512Asn; replaces lysine 2512 with asparagine.
Molecular consequence: missense variant.
Genome position (GRCh38, 1-based): chr14:64,049,769, G>C. VCF-style: chr14-64049769-G-C. GRCh37 (hg19) VCF-style: chr14-64516487-G-C.
Other names: c.7536G>C, p.Lys2512Asn (NM_015180.6); short protein forms K2512N.
Identifiers: ClinVar variation 1041920 (VCV001041920.8), dbSNP rs2097211326, ClinGen allele CA389959065.

ClinVar aggregate classification (germline): Uncertain significance (1 of 4 stars; one submission).

Conditions:
Emery-Dreifuss muscular dystrophy 5, autosomal dominant (EDMD5). Also called: EMERY-DREIFUSS MUSCULAR DYSTROPHY 5. Identifiers: Orphanet 261, MedGen C2751805, MONDO:0013072, OMIM 612999.

Submission:

Labcorp Genetics (formerly Invitae), Labcorp
Classification: Uncertain significance for Emery-Dreifuss muscular dystrophy 5, autosomal dominant. Last evaluated: 2020-08-25. Review status: criteria provided, single submitter. Criteria: Invitae Variant Classification Sherloc (09022015). Collection method: clinical testing. Allele origin: germline.
Comment: This sequence change replaces lysine with asparagine at codon 2512 of the SYNE2 protein (p.Lys2512Asn). The lysine residue is moderately conserved and there is a moderate physicochemical difference between lysine and asparagine. This variant is not present in population databases (ExAC no frequency). This variant has not been reported in the literature in individuals with SYNE2-related conditions. Algorithms developed to predict the effect of missense changes on protein structure and function are either unavailable or do not agree on the potential impact of this missense change (SIFT: "Tolerated"; PolyPhen-2: "Probably Damaging"; Align-GVGD: "Class C0"). In summary, the available evidence is currently insufficient to determine the role of this variant in disease. Therefore, it has been classified as a Variant of Uncertain Significance.